The following is an entry in ClinVar:

NM_000277.3(PAH):c.317T>C (p.Val106Ala)

Gene: PAH (phenylalanine hydroxylase; minus strand). Cytogenetic location: 12q23.2.
Variant type: single nucleotide variant.
Coding change: c.317T>C on transcript NM_000277.3 (MANE Select); coding-DNA position 317, T replaced by C.
Protein change: p.Val106Ala; replaces valine 106 with alanine.
Molecular consequence: missense variant.
Genome position (GRCh38, 1-based): chr12:102,894,770, A>G on the plus strand (T>C on the coding strand, the complement: PAH is on the minus strand). VCF-style: chr12-102894770-A-G. GRCh37 (hg19) VCF-style: chr12-103288548-A-G.
Other names: NM_001354304.2:c.317T>C; c.317T>C, p.Val106Ala (NM_001354304.2); short protein forms V106A.
Identifiers: ClinVar variation 3393463 (VCV003393463.1).

ClinVar aggregate classification (germline): Uncertain significance (3 of 4 stars; one submission).

Conditions:
Phenylketonuria (PKU). Also called: FOLLING DISEASE; OLIGOPHRENIA PHENYLPYRUVICA; Phenylketonurias; Phenylketonuria (PKU). Identifiers: Orphanet 716, MedGen C0031485, MONDO:0009861, OMIM 261600. Disease mechanism: loss of function.

Submission:

ClinGen PAH Variant Curation Expert Panel
Classification: Uncertain significance for Phenylketonuria. Last evaluated: 2024-11-17. Review status: reviewed by expert panel. Criteria: ClinGen PAH ACMG Specifications v1. Collection method: curation. Allele origin: germline. Inheritance: Autosomal recessive inheritance.
Comment: This variant is absent in population databases. The results from in silico predictor [REVEL - 0.656], predict a damaging effect on PAH function (PP3). In summary, this variant meets criteria to be classified as uncertain significance for PAH. PAH-specific ACMG/AMP criteria applied: PM2_supporting, PP3, PP4-moderate.